The following is an entry in ClinVar:

ClinVar aggregate classification (germline): Pathogenic/Likely pathogenic. Review status: criteria provided, multiple submitters, no conflicts (2 of 4 stars). 2 submissions from 2 submitters: Pathogenic (1); Likely pathogenic (1). Last evaluated 2025-08-22.

Conditions:
Radio-Tartaglia syndrome. Identifiers: Orphanet 662234, MedGen C5543339, MONDO:0859143, OMIM 619312.

Submissions (2):

GeneDx
Classification: Pathogenic. Last evaluated: 2025-08-22. Review status: criteria provided, single submitter. Criteria: GeneDx Variant Classification Process June 2021. Collection method: clinical testing. Allele origin: germline. Affected: yes.
Comment: Nonsense variant predicted to result in protein truncation or nonsense mediated decay in a gene for which loss of function is a known mechanism of disease; Not observed at significant frequency in large population cohorts (gnomAD); This variant is associated with the following publications: (PMID: 35982159, 33057194)

Juno Genomics, Hangzhou Juno Genomics, Inc
Classification: Likely pathogenic for Radio-Tartaglia syndrome. Review status: criteria provided, single submitter. Criteria: ACMG Guidelines, 2015. Collection method: clinical testing. Allele origin: germline.
Comment: Null variant in a gene where loss of function (LOF) is a known mechanism of disease.;Absent from controls (or at extremely low frequency if recessive) in Genome Aggregation Database.

NM_015001.3(SPEN):c.4408C>T (p.Arg1470Ter)

Gene: SPEN (spen family transcriptional repressor; plus strand). Cytogenetic location: 1p36.13.
Variant type: single nucleotide variant.
Coding change: c.4408C>T on transcript NM_015001.3 (MANE Select); coding-DNA position 4408, C replaced by T.
Protein change: p.Arg1470Ter; replaces arginine 1470 with a stop codon.
Molecular consequence: nonsense.
Genome position (GRCh38, 1-based): chr1:15,930,648, C>T. VCF-style: chr1-15930648-C-T. GRCh37 (hg19) VCF-style: chr1-16257143-C-T.
Other names: short protein forms R1470*.
Identifiers: ClinVar variation 1342038 (VCV001342038.5), dbSNP rs769218008, ClinGen allele CA338614259.